The following is an entry in ClinVar:

NM_000742.4(CHRNA2):c.1009A>G (p.Ile337Val)

Gene: CHRNA2 (cholinergic receptor nicotinic alpha 2 subunit; minus strand). Cytogenetic location: 8p21.2.
Variant type: single nucleotide variant.
Coding change: c.1009A>G on transcript NM_000742.4 (MANE Select); coding-DNA position 1009, A replaced by G.
Protein change: p.Ile337Val; replaces isoleucine 337 with valine.
Molecular consequence: missense variant.
Genome position (GRCh38, 1-based): chr8:27,463,434, T>C on the plus strand (A>G on the coding strand, the complement: CHRNA2 is on the minus strand). VCF-style: chr8-27463434-T-C. GRCh37 (hg19) VCF-style: chr8-27320951-T-C.
Other names: c.964A>G, p.Ile322Val (NM_001282455.2); c.532A>G, p.Ile178Val (NM_001347705.2, NM_001347706.2); c.415A>G, p.Ile139Val (NM_001347707.2, NM_001347708.2); short protein forms I139V, I322V, I337V, I178V.
Identifiers: ClinVar variation 4738603 (VCV004738603.1).

ClinVar aggregate classification (germline): Uncertain significance (1 of 4 stars; one submission).

Conditions:
Familial sleep-related hypermotor epilepsy. Also called: Autosomal Dominant Sleep-Related Hypermotor (Hyperkinetic) Epilepsy. Identifiers: Orphanet 98784, MedGen C3696898, MONDO:0000030.

Submission:

Labcorp Genetics (formerly Invitae), Labcorp
Classification: Uncertain significance. Last evaluated: 2025-08-09. Review status: criteria provided, single submitter. Criteria: Invitae Variant Classification Sherloc (09022015). Collection method: clinical testing. Allele origin: germline.
Comment: This sequence change replaces isoleucine, which is neutral and non-polar, with valine, which is neutral and non-polar, at codon 337 of the CHRNA2 protein (p.Ile337Val). This variant is not present in population databases (gnomAD no frequency). This variant has not been reported in the literature in individuals affected with CHRNA2-related conditions. Invitae Evidence Modeling of protein sequence and biophysical properties (such as structural, functional, and spatial information, amino acid conservation, physicochemical variation, residue mobility, and thermodynamic stability) indicates that this missense variant is not expected to disrupt CHRNA2 protein function with a negative predictive value of 80%. In summary, the available evidence is currently insufficient to determine the role of this variant in disease. Therefore, it has been classified as a Variant of Uncertain Significance.